The following is an entry in ClinVar:

NM_000370.3(TTPA):c.320G>A (p.Arg107Lys)

Gene: TTPA (alpha tocopherol transfer protein; minus strand). Cytogenetic location: 8q12.3.
Variant type: single nucleotide variant.
Coding change: c.320G>A on transcript NM_000370.3 (MANE Select); coding-DNA position 320, G replaced by A.
Protein change: p.Arg107Lys; replaces arginine 107 with lysine.
Molecular consequence: missense variant.
Genome position (GRCh38, 1-based): chr8:63,072,973, C>T on the plus strand (G>A on the coding strand, the complement: TTPA is on the minus strand). VCF-style: chr8-63072973-C-T. GRCh37 (hg19) VCF-style: chr8-63985532-C-T.
Other names: short protein forms R107K.
Identifiers: ClinVar variation 1499953 (VCV001499953.7), dbSNP rs2129762610, ClinGen allele CA371333731.

ClinVar aggregate classification (germline): Uncertain significance (1 of 4 stars; one submission).

Allele frequency attached by ClinVar (database versions not stated): gnomAD exomes below 0.00001.
gnomAD v4.1: 1 of 1,614,040 alleles (0.000062%); highest among the groups gnomAD compares: South Asian, 0.0011%; no homozygotes.

Submission:

Labcorp Genetics (formerly Invitae), Labcorp
Classification: Uncertain significance. Last evaluated: 2024-04-25. Review status: criteria provided, single submitter. Criteria: Invitae Variant Classification Sherloc (09022015). Collection method: clinical testing. Allele origin: germline.
Comment: This sequence change replaces arginine, which is basic and polar, with lysine, which is basic and polar, at codon 107 of the TTPA protein (p.Arg107Lys). This variant is not present in population databases (gnomAD no frequency). This variant has not been reported in the literature in individuals affected with TTPA-related conditions. ClinVar contains an entry for this variant (Variation ID: 1499953). Advanced modeling of protein sequence and biophysical properties (such as structural, functional, and spatial information, amino acid conservation, physicochemical variation, residue mobility, and thermodynamic stability) has been performed at Invitae for this missense variant, however the output from this modeling did not meet the statistical confidence thresholds required to predict the impact of this variant on TTPA protein function. In summary, the available evidence is currently insufficient to determine the role of this variant in disease. Therefore, it has been classified as a Variant of Uncertain Significance.